The following is an entry in ClinVar:

NM_207352.4(CYP4V2):c.1249A>T (p.Thr417Ser)

Gene: CYP4V2 (cytochrome P450 family 4 subfamily V member 2; plus strand). Cytogenetic location: 4q35.2.
Variant type: single nucleotide variant.
Coding change: c.1249A>T on transcript NM_207352.4 (MANE Select); coding-DNA position 1249, A replaced by T.
Protein change: p.Thr417Ser; replaces threonine 417 with serine.
Molecular consequence: missense variant.
Genome position (GRCh38, 1-based): chr4:186,209,116, A>T. VCF-style: chr4-186209116-A-T. GRCh37 (hg19) VCF-style: chr4-187130270-A-T.
Other names: short protein forms T417S.
Identifiers: ClinVar variation 1391408 (VCV001391408.6), dbSNP rs781400516, ClinGen allele CA3162810.

ClinVar aggregate classification (germline): Uncertain significance (1 of 4 stars; one submission).

Allele frequency attached by ClinVar (database versions not stated): TOPMed 0.00001.
gnomAD v4.1: 24 of 1,614,164 alleles (0.0015%); highest among the groups gnomAD compares: Non-Finnish European, 0.0019%; no homozygotes.

Submission:

Labcorp Genetics (formerly Invitae), Labcorp
Classification: Uncertain significance. Last evaluated: 2021-12-13. Review status: criteria provided, single submitter. Criteria: Invitae Variant Classification Sherloc (09022015). Collection method: clinical testing. Allele origin: germline.
Comment: This sequence change replaces threonine, which is neutral and polar, with serine, which is neutral and polar, at codon 417 of the CYP4V2 protein (p.Thr417Ser). This variant is present in population databases (rs781400516, gnomAD 0.004%). This variant has not been reported in the literature in individuals affected with CYP4V2-related conditions. Advanced modeling of protein sequence and biophysical properties (such as structural, functional, and spatial information, amino acid conservation, physicochemical variation, residue mobility, and thermodynamic stability) performed at Invitae indicates that this missense variant is not expected to disrupt CYP4V2 protein function. In summary, the available evidence is currently insufficient to determine the role of this variant in disease. Therefore, it has been classified as a Variant of Uncertain Significance.